The following is an entry in ClinVar:

ClinVar aggregate classification (germline): Uncertain significance. Review status: criteria provided, multiple submitters, no conflicts (2 of 4 stars). 4 submissions from 4 submitters: Uncertain significance (3). 1 of the submissions does not count toward it. Last evaluated 2026-03-05.

Conditions:
MYH3-related disorder. Also called: MYH3-Related Disorders; MYH3-related condition. Identifiers: MedGen CN239329.
Freeman-Sheldon syndrome (DA2A). Also called: WHISTLING FACE-WINDMILL VANE HAND SYNDROME; Arthrogryposis, distal, type 2A (Freeman-Sheldon); CRANIOCARPOTARSAL DYSPLASIA; CRANIOCARPOTARSAL DYSTROPHY. Identifiers: Orphanet 2053, MedGen C0265224, MONDO:0008675, OMIM 193700.
Contractures, pterygia, and spondylocarpotarsal fusion syndrome 1A (CPSFS1A). Also called: MULTIPLE PTERYGIUM SYNDROME, AUTOSOMAL DOMINANT; Distal arthrogryposis type 8; Contractures, pterygia, and variable skeletal fusions syndrome 1A. Identifiers: Orphanet 65743, MedGen C1867440, MONDO:0008338, OMIM 178110.
Arthrogryposis, distal, type 2B3. Also called: Arthrogryposis, distal, type 2B3 (Sheldon-Hall). Identifiers: MedGen C5193098, MONDO:0032751, OMIM 618436.
Contractures, pterygia, and variable skeletal fusions syndrome 1B. Also called: CONTRACTURES, PTERYGIA, AND SPONDYLOCARPOTARSAL FUSION SYNDROME 1B. Identifiers: MedGen C5193114, MONDO:0020746, OMIM 618469.
Prostate cancer. Also called: Malignant tumor of prostate. Identifiers: Orphanet 1331, MedGen C0376358, MONDO:0008315, HP:0012125.

Allele frequency attached by ClinVar (database versions not stated): TOPMed 0.00008; gnomAD 0.00010; gnomAD exomes 0.00005; ESP Exome Variant Server 0.00015.
gnomAD v4.1: 154 of 1,614,060 alleles (0.0095%); highest among the groups gnomAD compares: Non-Finnish European, 0.012%; 1 homozygote.

Submissions (4):

PreventionGenetics, part of Exact Sciences
Classification: Uncertain significance for MYH3-related condition. Last evaluated: 2026-03-05. Review status: criteria provided, single submitter. Criteria: ACMG Guidelines, 2015. Collection method: clinical testing. Allele origin: germline.
Comment: The MYH3 c.118G>A variant is predicted to result in the amino acid substitution p.Val40Met. This variant was reported as de novo in a fetus with arthrogryposis (Xu et al. 2019. PubMed ID: 31030430). This variant is reported in 0.015% of alleles in individuals of East Asian descent in gnomAD. At this time, the clinical significance of this variant is uncertain due to the absence of conclusive functional and genetic evidence.

Labcorp Genetics (formerly Invitae), Labcorp
Classification: Uncertain significance. Last evaluated: 2025-11-17. Review status: criteria provided, single submitter. Criteria: Invitae Variant Classification Sherloc (09022015). Collection method: clinical testing. Allele origin: germline.
Comment: This sequence change replaces valine, which is neutral and non-polar, with methionine, which is neutral and non-polar, at codon 40 of the MYH3 protein (p.Val40Met). This variant is present in population databases (rs148637119, gnomAD 0.02%). This missense change has been observed in individual(s) with clinical features of MYH3-related conditions (PMID: 31030430). ClinVar contains an entry for this variant (Variation ID: 161596). Invitae Evidence Modeling of protein sequence and biophysical properties (such as structural, functional, and spatial information, amino acid conservation, physicochemical variation, residue mobility, and thermodynamic stability) has been performed for this missense variant. However, the output from this modeling did not meet the statistical confidence thresholds required to predict the impact of this variant on MYH3 protein function. In summary, the available evidence is currently insufficient to determine the role of this variant in disease. Therefore, it has been classified as a Variant of Uncertain Significance.

Fulgent Genetics
Classification: Uncertain significance for Contractures, pterygia, and spondylocarpotarsal fusion syndrome 1A; Freeman-Sheldon syndrome; Arthrogryposis, distal, type 2B3; Contractures, pterygia, and variable skeletal fusions syndrome 1B. Last evaluated: 2021-07-03. Review status: criteria provided, single submitter. Criteria: ACMG Guidelines, 2015. Collection method: clinical testing. Allele origin: unknown.

Science for Life laboratory,  Karolinska Institutet
Classification: Uncertain significance for Malignant tumor of prostate. Review status: no assertion criteria provided. Collection method: not provided. Allele origin: somatic. Not counted in ClinVar's aggregate classification.
Comment: TumorID:SWE-9
ClinVar note: Converted during submission from Unknown to Uncertain significance.

Literature cited by the submitters: PubMed 31030430 (cited by Labcorp Genetics (formerly Invitae), Labcorp).

NM_002470.4(MYH3):c.118G>A (p.Val40Met)

Gene: MYH3 (myosin heavy chain 3; minus strand). Cytogenetic location: 17p13.1.
Variant type: single nucleotide variant.
Coding change: c.118G>A on transcript NM_002470.4 (MANE Select); coding-DNA position 118, G replaced by A.
Protein change: p.Val40Met; replaces valine 40 with methionine.
Molecular consequence: missense variant.
Genome position (GRCh38, 1-based): chr17:10,654,947, C>T on the plus strand (G>A on the coding strand, the complement: MYH3 is on the minus strand). VCF-style: chr17-10654947-C-T. GRCh37 (hg19) VCF-style: chr17-10558264-C-T.
Other names: short protein forms V40M.
Identifiers: ClinVar variation 161596 (VCV000161596.9), dbSNP rs148637119, ClinGen allele CA174417.